The following is an entry in ClinVar:

NM_000102.4(CYP17A1):c.691A>T (p.Lys231Ter)

Genes: CYP17A1-AS1 (CYP17A1 antisense RNA 1; plus strand), CYP17A1 (cytochrome P450 family 17 subfamily A member 1; minus strand). Cytogenetic location: 10q24.32.
Variant type: single nucleotide variant.
Coding change: c.691A>T on transcript NM_000102.4 (MANE Select); coding-DNA position 691, A replaced by T.
Protein change: p.Lys231Ter; replaces lysine 231 with a stop codon.
Molecular consequence: nonsense.
Genome position (GRCh38, 1-based): chr10:102,834,098, T>A on the plus strand (A>T on the coding strand, the complement: CYP17A1 is on the minus strand). VCF-style: chr10-102834098-T-A. GRCh37 (hg19) VCF-style: chr10-104593855-T-A.
Other names: short protein forms K231*.
Identifiers: ClinVar variation 1072158 (VCV001072158.7), dbSNP rs2134083338, ClinGen allele CA377939655.

ClinVar aggregate classification (germline): Pathogenic (1 of 4 stars; one submission).

Submission:

Labcorp Genetics (formerly Invitae), Labcorp
Classification: Pathogenic. Last evaluated: 2020-02-24. Review status: criteria provided, single submitter. Criteria: Invitae Variant Classification Sherloc (09022015). Collection method: clinical testing. Allele origin: germline.
Comment: For these reasons, this variant has been classified as Pathogenic. This sequence change creates a premature translational stop signal (p.Lys231*) in the CYP17A1 gene. It is expected to result in an absent or disrupted protein product. This variant is not present in population databases (ExAC no frequency). This variant has not been reported in the literature in individuals with CYP17A1-related conditions. Loss-of-function variants in CYP17A1 are known to be pathogenic (PMID: 17192295, 20197673, 24140098).

Literature cited by the submitters: PubMed 17192295; PubMed 20197673; PubMed 24140098.